The following is an entry in ClinVar:

ClinVar aggregate classification (germline): Uncertain significance (1 of 4 stars; one submission).

Conditions:
Idiopathic Pulmonary Fibrosis. Also called: Idiopathic fibrosing alveolitis, chronic form; idiopathic fibrosing alveolitis. Identifiers: Orphanet 2032, MedGen C1800706, MeSH D054990, MONDO:0800504.
Dyskeratosis congenita, autosomal dominant 2. Identifiers: MedGen C3151443, MONDO:0013521, OMIM 613989.

gnomAD v4.1: 2 of 1,320,526 alleles (0.00015%); highest among the groups gnomAD compares: Non-Finnish European, 0.00019%; no homozygotes.

Submission:

Labcorp Genetics (formerly Invitae), Labcorp
Classification: Uncertain significance for Dyskeratosis congenita, autosomal dominant 2; Idiopathic Pulmonary Fibrosis. Last evaluated: 2022-01-12. Review status: criteria provided, single submitter. Criteria: Invitae Variant Classification Sherloc (09022015). Collection method: clinical testing. Allele origin: germline.
Comment: Algorithms developed to predict the effect of missense changes on protein structure and function are either unavailable or do not agree on the potential impact of this missense change (SIFT: "Tolerated"; PolyPhen-2: "Probably Damaging"; Align-GVGD: "Class C0"). ClinVar contains an entry for this variant (Variation ID: 1019589). This variant has not been reported in the literature in individuals affected with TERT-related conditions. This variant is not present in population databases (gnomAD no frequency). This sequence change replaces proline, which is neutral and non-polar, with arginine, which is basic and polar, at codon 2 of the TERT protein (p.Pro2Arg). In summary, the available evidence is currently insufficient to determine the role of this variant in disease. Therefore, it has been classified as a Variant of Uncertain Significance.

NM_198253.3(TERT):c.5C>G (p.Pro2Arg)

Genes: TERT (telomerase reverse transcriptase; minus strand), LOC110806263 (TERT 5' regulatory region; plus strand). Cytogenetic location: 5p15.33.
Variant type: single nucleotide variant.
Coding change: c.5C>G on transcript NM_198253.3 (MANE Select); coding-DNA position 5, C replaced by G.
Protein change: p.Pro2Arg; replaces proline 2 with arginine.
Molecular consequence: missense variant. On other transcripts: non-coding transcript variant (2).
Genome position (GRCh38, 1-based): chr5:1,294,985, G>C on the plus strand (C>G on the coding strand, the complement: TERT is on the minus strand). VCF-style: chr5-1294985-G-C. GRCh37 (hg19) VCF-style: chr5-1295100-G-C.
Other names: c.5C>G, p.Pro2Arg (NM_001193376.3); short protein forms P2R.
Identifiers: ClinVar variation 1019589 (VCV001019589.9), dbSNP rs1751303315, ClinGen allele CA359060096.